The following is an entry in ClinVar:

ClinVar aggregate classification (germline): Uncertain significance. Review status: criteria provided, multiple submitters, no conflicts (2 of 4 stars). 2 submissions from 2 submitters: Uncertain significance (2). Last evaluated 2024-12-01.

Allele frequency attached by ClinVar (database versions not stated): ExAC 0.00010; TOPMed 0.00021; gnomAD 0.00023; gnomAD exomes 0.00038; ESP Exome Variant Server 0.00041.
gnomAD v4.1: 605 of 1,613,178 alleles (0.038%); highest among the groups gnomAD compares: Non-Finnish European, 0.047%; no homozygotes.

Submissions (2):

CeGaT Center for Human Genetics Tuebingen
Classification: Uncertain significance. Last evaluated: 2024-12-01. Review status: criteria provided, single submitter. Criteria: CeGaT Center For Human Genetics Tuebingen Variant Classification Criteria Version 2. Collection method: clinical testing. Allele origin: germline. Affected: yes. Observed: 1 variant allele.
Comment: VPS11: PM2

Labcorp Genetics (formerly Invitae), Labcorp
Classification: Uncertain significance. Last evaluated: 2024-10-23. Review status: criteria provided, single submitter. Criteria: Invitae Variant Classification Sherloc (09022015). Collection method: clinical testing. Allele origin: germline.
Comment: This sequence change replaces glutamine, which is neutral and polar, with glutamic acid, which is acidic and polar, at codon 196 of the VPS11 protein (p.Gln196Glu). This variant is present in population databases (rs201606629, gnomAD 0.03%). This variant has not been reported in the literature in individuals affected with VPS11-related conditions. ClinVar contains an entry for this variant (Variation ID: 2074296). Invitae Evidence Modeling of protein sequence and biophysical properties (such as structural, functional, and spatial information, amino acid conservation, physicochemical variation, residue mobility, and thermodynamic stability) indicates that this missense variant is not expected to disrupt VPS11 protein function with a negative predictive value of 80%. In summary, the available evidence is currently insufficient to determine the role of this variant in disease. Therefore, it has been classified as a Variant of Uncertain Significance.

NM_021729.6(VPS11):c.586C>G (p.Gln196Glu)

Gene: VPS11 (VPS11 core subunit of CORVET and HOPS complexes; plus strand). Cytogenetic location: 11q23.3.
Variant type: single nucleotide variant.
Coding change: c.586C>G on transcript NM_021729.6 (MANE Select); coding-DNA position 586, C replaced by G.
Protein change: p.Gln196Glu; replaces glutamine 196 with glutamic acid.
Molecular consequence: missense variant. On other transcripts: non-coding transcript variant (8).
Genome position (GRCh38, 1-based): chr11:119,070,347, C>G. VCF-style: chr11-119070347-C-G. GRCh37 (hg19) VCF-style: chr11-118941057-C-G.
Other names: c.556C>G, p.Gln186Glu (NM_001290185.2); c.598C>G, p.Gln200Glu (NM_001378218.1); c.586C>G, p.Gln196Glu (NM_001378219.1, NM_001378220.1); c.568C>G, p.Gln190Glu (NM_001378221.1); short protein forms Q186E, Q190E, Q196E, Q200E.
Identifiers: ClinVar variation 2074296 (VCV002074296.16), dbSNP rs201606629, ClinGen allele CA6313219.